The following is an entry in ClinVar:

NM_021067.5(GINS1):c.143A>G (p.Asn48Ser)

Gene: GINS1 (GINS complex subunit 1; plus strand). Cytogenetic location: 20p11.21.
Variant type: single nucleotide variant.
Coding change: c.143A>G on transcript NM_021067.5 (MANE Select); coding-DNA position 143, A replaced by G.
Protein change: p.Asn48Ser; replaces asparagine 48 with serine.
Molecular consequence: missense variant. On other transcripts: non-coding transcript variant (1).
Genome position (GRCh38, 1-based): chr20:25,417,106, A>G. VCF-style: chr20-25417106-A-G. GRCh37 (hg19) VCF-style: chr20-25397742-A-G.
Other names: c.143A>G (NM_021067.3); short protein forms N48S.
Identifiers: ClinVar variation 1374794 (VCV001374794.10), dbSNP rs554501561, ClinGen allele CA9796441.

ClinVar aggregate classification (germline): Uncertain significance. Review status: criteria provided, multiple submitters, no conflicts (2 of 4 stars). 3 submissions from 3 submitters: Uncertain significance (3). Last evaluated 2025-09-21.

Allele frequency attached by ClinVar (database versions not stated): gnomAD exomes below 0.00001 and 0.00002; ExAC 0.00002; 1000 Genomes Project 30x 0.00016; 1000 Genomes Project 0.00020.

Submissions (3):

Labcorp Genetics (formerly Invitae), Labcorp
Classification: Uncertain significance. Last evaluated: 2025-09-21. Review status: criteria provided, single submitter. Criteria: Invitae Variant Classification Sherloc (09022015). Collection method: clinical testing. Allele origin: germline.
Comment: This sequence change replaces asparagine, which is neutral and polar, with serine, which is neutral and polar, at codon 48 of the GINS1 protein (p.Asn48Ser). This variant is present in population databases (rs554501561, gnomAD 0.04%). This variant has not been reported in the literature in individuals affected with GINS1-related conditions. ClinVar contains an entry for this variant (Variation ID: 1374794). An algorithm developed to predict the effect of missense changes on protein structure and function (PolyPhen-2) suggests that this variant is likely to be tolerated. In summary, the available evidence is currently insufficient to determine the role of this variant in disease. Therefore, it has been classified as a Variant of Uncertain Significance.

Ambry Genetics
Classification: Uncertain significance. Last evaluated: 2025-06-03. Review status: criteria provided, single submitter. Criteria: Ambry Variant Classification Scheme 2023. Collection method: clinical testing. Allele origin: germline.

Blueprint Genetics
Classification: Uncertain significance. Last evaluated: 2022-09-08. Review status: criteria provided, single submitter. Criteria: ACMG Guidelines, 2015. Collection method: clinical testing. Allele origin: germline.